The following is an entry in ClinVar:

ClinVar aggregate classification (germline): Uncertain significance (1 of 4 stars; one submission).

Conditions:
Nephronophthisis. Also called: Juvenile Nephronophthisis. Identifiers: Orphanet 655, MedGen C0687120, MONDO:0019005, HP:0000090.
Meckel-Gruber syndrome. Also called: DYSENCEPHALIA SPLANCHNOCYSTICA; GRUBER SYNDROME; Dysencephalia splachnocystica. Identifiers: Orphanet 564, MedGen C0265215, MONDO:0018921.
Joubert syndrome. Also called: CEREBELLOPARENCHYMAL DISORDER IV; JOUBERT-BOLTSHAUSER SYNDROME; Familial aplasia of the vermis. Identifiers: Orphanet 475, MedGen C5979921, MONDO:0018772.

Allele frequency attached by ClinVar (database versions not stated): gnomAD exomes below 0.00001.
gnomAD v4.1: 1 of 1,602,394 alleles (0.000062%); highest among the groups gnomAD compares: Admixed American, 0.0017%; no homozygotes.

Submission:

Labcorp Genetics (formerly Invitae), Labcorp
Classification: Uncertain significance for Joubert syndrome; Meckel-Gruber syndrome; Nephronophthisis. Last evaluated: 2025-02-17. Review status: criteria provided, single submitter. Criteria: Invitae Variant Classification Sherloc (09022015). Collection method: clinical testing. Allele origin: germline.
Comment: This sequence change replaces tyrosine, which is neutral and polar, with cysteine, which is neutral and slightly polar, at codon 218 of the CEP290 protein (p.Tyr218Cys). The frequency data for this variant in the population databases is considered unreliable, as metrics indicate poor data quality at this position in the gnomAD database. This variant has not been reported in the literature in individuals affected with CEP290-related conditions. ClinVar contains an entry for this variant (Variation ID: 1715312). Invitae Evidence Modeling of protein sequence and biophysical properties (such as structural, functional, and spatial information, amino acid conservation, physicochemical variation, residue mobility, and thermodynamic stability) indicates that this missense variant is not expected to disrupt CEP290 protein function with a negative predictive value of 80%. In summary, the available evidence is currently insufficient to determine the role of this variant in disease. Therefore, it has been classified as a Variant of Uncertain Significance.

NM_025114.4(CEP290):c.653A>G (p.Tyr218Cys)

Gene: CEP290 (centrosomal protein 290; minus strand). Cytogenetic location: 12q21.32.
Variant type: single nucleotide variant.
Coding change: c.653A>G on transcript NM_025114.4 (MANE Select); coding-DNA position 653, A replaced by G.
Protein change: p.Tyr218Cys; replaces tyrosine 218 with cysteine.
Molecular consequence: missense variant.
Genome position (GRCh38, 1-based): chr12:88,130,284, T>C on the plus strand (A>G on the coding strand, the complement: CEP290 is on the minus strand). VCF-style: chr12-88130284-T-C. GRCh37 (hg19) VCF-style: chr12-88524061-T-C.
Other names: short protein forms Y218C.
Identifiers: ClinVar variation 1715312 (VCV001715312.6), dbSNP rs1443831395, ClinGen allele CA385986150.
Genomic context (GRCh38, chr12:88,130,284, plus strand): 5'-GTTTTTAGGAACCATTGCTCTGAATTGACTTCTAGCCATTTTACCTGAATTTCATCAAGA[T>C]ATTGGATAAGCTCATAGTTTTTTTTAGACAACTGTGATCGGTAGTCACTGTCTTCCCCTC-3'
Protein context (NP_079390.3, residues 208-228): LSKKNYELIQ[Tyr218Cys]LDEIQTLTEA